The following is an entry in ClinVar:

NM_000295.5(SERPINA1):c.1211A>G (p.Lys404Arg)

Gene: SERPINA1 (serpin family A member 1; minus strand). Cytogenetic location: 14q32.13.
Variant type: single nucleotide variant.
Coding change: c.1211A>G on transcript NM_000295.5 (MANE Select); coding-DNA position 1211, A replaced by G.
Protein change: p.Lys404Arg; replaces lysine 404 with arginine.
Molecular consequence: missense variant.
Genome position (GRCh38, 1-based): chr14:94,378,495, T>C on the plus strand (A>G on the coding strand, the complement: SERPINA1 is on the minus strand). VCF-style: chr14-94378495-T-C. GRCh37 (hg19) VCF-style: chr14-94844832-T-C.
Other names: c.1211A>G, p.Lys404Arg (NM_001002235.3, NM_001002236.3, NM_001127700.2 and 7 more transcripts); short protein forms K404R.
Identifiers: ClinVar variation 3251470 (VCV003251470.2), dbSNP rs754885222.

ClinVar aggregate classification (germline): Uncertain significance. Review status: criteria provided, multiple submitters, no conflicts (2 of 4 stars). 2 submissions from 2 submitters: Uncertain significance (2). Last evaluated 2025-10-28.

Conditions:
Alpha-1-antitrypsin deficiency (A1ATD). Also called: AAT deficiency; A1AT deficiency; Alpha1-Antitrypsin Deficiency. Identifiers: Orphanet 60, MedGen C0221757, MONDO:0013282, OMIM 613490.

Allele frequency attached by ClinVar (database versions not stated): ExAC 0.00001.
gnomAD v4.1: 18 of 1,614,026 alleles (0.0011%); highest among the groups gnomAD compares: Non-Finnish European, 0.0014%; no homozygotes.

Submissions (2):

Myriad Genetics, Inc.
Classification: Uncertain significance for Alpha-1-antitrypsin deficiency. Last evaluated: 2025-10-28. Review status: criteria provided, single submitter. Criteria: Myriad Autosomal Dominant, Autosomal Recessive and X-Linked Classification Criteria (2023). Collection method: clinical testing. Allele origin: unknown.
Comment: NM_000295.4(SERPINA1):c.1211A>G(K404R) is a missense variant classified as a variant of uncertain significance in the context of alpha-1 antitrypsin deficiency. K404R has been observed in a case with relevant disease (PMID: 31661293). Relevant functional assessments of this variant are not available in the literature. K404R has been observed in referenced population frequency databases. In summary, there is insufficient evidence to classify NM_000295.4(SERPINA1):c.1211A>G(K404R) as pathogenic or benign. Please note: this variant was assessed in the context of healthy population screening.

Women's Health and Genetics/Laboratory Corporation of America, LabCorp
Classification: Uncertain significance. Last evaluated: 2024-04-08. Review status: criteria provided, single submitter. Criteria: LabCorp Variant Classification Summary - May 2015. Collection method: clinical testing. Allele origin: germline.
Comment: Variant summary: SERPINA1 c.1211A>G (p.Lys404Arg) results in a conservative amino acid change located in the Serpin domain (IPR023796) of the encoded protein sequence. Five of five in-silico tools predict a benign effect of the variant on protein function. The variant allele was found at a frequency of 4e-06 in 251478 control chromosomes. The available data on variant occurrences in the general population are insufficient to allow any conclusion about variant significance. c.1211A>G has been reported in the literature in at least one heterozygous individual with unspecified phenotype in a cohort of COPD and non-COPD smokers (e.g. Ortega_2020). This report does not provide unequivocal conclusions about association of the variant with Alpha-1-Antitrypsin Deficiency. To our knowledge, no experimental evidence demonstrating an impact on protein function has been reported. The following publications have been ascertained in the context of this evaluation (PMID: 29882371, 31661293). No submitters have cited clinical-significance assessments for this variant to ClinVar. Based on the evidence outlined above, the variant was classified as uncertain significance.

Literature cited by the submitters: PubMed 31661293 (cited by Myriad Genetics, Inc. and Women's Health and Genetics/Laboratory Corporation of America, LabCorp); PubMed 29882371 (cited by Women's Health and Genetics/Laboratory Corporation of America, LabCorp).